The following is an entry in ClinVar:

NM_000095.3(COMP):c.1319G>A (p.Gly440Glu)

Gene: COMP (cartilage oligomeric matrix protein; minus strand). Cytogenetic location: 19p13.11.
Variant type: single nucleotide variant.
Coding change: c.1319G>A on transcript NM_000095.3 (MANE Select); coding-DNA position 1319, G replaced by A.
Protein change: p.Gly440Glu; replaces glycine 440 with glutamic acid.
Molecular consequence: missense variant.
Genome position (GRCh38, 1-based): chr19:18,786,135, C>T on the plus strand (G>A on the coding strand, the complement: COMP is on the minus strand). VCF-style: chr19-18786135-C-T. GRCh37 (hg19) VCF-style: chr19-18896945-C-T.
Other names: c.1319G>A (NM_000095.2); short protein forms G440E.
Identifiers: ClinVar variation 1435721 (VCV001435721.8), dbSNP rs2145900919, ClinGen allele CA404885271.

ClinVar aggregate classification (germline): Pathogenic/Likely pathogenic. Review status: criteria provided, multiple submitters, no conflicts (2 of 4 stars). 3 submissions from 3 submitters: Pathogenic (1); Likely pathogenic (1). 1 of the submissions does not count toward it. Last evaluated 2024-07-11.

Conditions:
COMP-related disorder. Also called: COMP-related condition; COMP-related disorders.

Submissions (3):

GeneDx
Classification: Likely pathogenic. Last evaluated: 2024-07-11. Review status: criteria provided, single submitter. Criteria: GeneDx Variant Classification Process June 2021. Collection method: clinical testing. Allele origin: germline. Affected: yes.
Comment: Not observed at significant frequency in large population cohorts (gnomAD); In silico analysis supports that this missense variant has a deleterious effect on protein structure/function; This variant is associated with the following publications: (PMID: 30906833, 9463320, 8702126, 21644213, 36890482)

Labcorp Genetics (formerly Invitae), Labcorp
Classification: Pathogenic. Last evaluated: 2021-09-28. Review status: criteria provided, single submitter. Criteria: Invitae Variant Classification Sherloc (09022015). Collection method: clinical testing. Allele origin: germline.
Comment: This sequence change replaces glycine with glutamic acid at codon 440 of the COMP protein (p.Gly440Glu). The glycine residue is highly conserved and there is a moderate physicochemical difference between glycine and glutamic acid. This variant is not present in population databases (ExAC no frequency). This missense change has been observed in individual(s) with pseudoachondroplasia (PMID: 9463320). In at least one individual the variant was observed to be de novo. This variant is also known as c.1344G>A. Advanced modeling of protein sequence and biophysical properties (such as structural, functional, and spatial information, amino acid conservation, physicochemical variation, residue mobility, and thermodynamic stability) performed at Invitae indicates that this missense variant is expected to disrupt COMP protein function. This variant disrupts the p.Gly440 amino acid residue in COMP. Other variant(s) that disrupt this residue have been determined to be pathogenic (PMID: 9452026, 21644213, 21965141). This suggests that this residue is clinically significant, and that variants that disrupt this residue are likely to be disease-causing. For these reasons, this variant has been classified as Pathogenic.

PreventionGenetics, part of Exact Sciences
Classification: Pathogenic for COMP-related condition. Last evaluated: 2024-05-07. Review status: no assertion criteria provided. Collection method: clinical testing. Allele origin: germline. Not counted in ClinVar's aggregate classification.
Comment: The COMP c.1319G>A variant is predicted to result in the amino acid substitution p.Gly440Glu. This variant was reported in 2 individuals with pseudoachondroplasia (Briggs et al. 1998. PubMed ID: 9463320; Pálla et al. 2023. PubMed ID: 36890482). In addition, 2 different variants affecting the same amino acid (p.Gly440Arg; p.Gly440Val) were reported to be pathogenic for pseudoachondroplasia (Cao et al. 2011. PubMed ID: 21644213; Zhou et al. 2023. PubMed ID: 38075060).This variant has not been reported in a large population database, indicating this variant is rare. This variant is interpreted as pathogenic.

Literature cited by the submitters: PubMed 9463320 (cited by Labcorp Genetics (formerly Invitae), Labcorp); PubMed 9452026 (cited by Labcorp Genetics (formerly Invitae), Labcorp); PubMed 21644213 (cited by Labcorp Genetics (formerly Invitae), Labcorp); PubMed 21965141 (cited by Labcorp Genetics (formerly Invitae), Labcorp).